The following is an entry in ClinVar:

NM_000088.4(COL1A1):c.1225_1226delinsAA (p.Pro409Asn)

Gene: COL1A1 (collagen type I alpha 1 chain; minus strand). Cytogenetic location: 17q21.33.
Variant type: Indel.
Coding change: c.1225_1226delinsAA on transcript NM_000088.4 (MANE Select); coding-DNA positions 1225 to 1226, CC replaced by AA.
Protein change: p.Pro409Asn; replaces proline 409 with asparagine.
Molecular consequence: missense variant.
Genome position (GRCh38, 1-based): chr17:50,195,305-50,195,306, GG replaced by TT on the plus strand (CC replaced by AA on the coding strand, the reverse complement: COL1A1 is on the minus strand). VCF-style: chr17-50195305-GG-TT. GRCh37 (hg19) VCF-style: chr17-48272666-GG-TT.
Other names: short protein forms P409N.
Identifiers: ClinVar variation 5005774 (VCV005005774.2).
Genomic context (GRCh38, chr17:50,195,305, plus strand): 5'-GGACCAGGAGGGCCGCCGGGGCCCTGGGGTCCAGAGGGGCCTCGGGCACCAGGGAAGCCA[GG>TT]AGCACCAGCAATACCAGGAGCACCCTGTGGGAGGCAGACAGCCAGGGCGTGAGCCTAGGA-3'
Protein context (NP_000079.2, residues 399-419): ANGAPGIAGA[Pro409Asn]GFPGARGPSG

ClinVar aggregate classification (germline): Uncertain significance (1 of 4 stars; one submission).

Conditions:
Ehlers-Danlos syndrome, arthrochalasia type. Also called: ARTHROCHALASIS MULTIPLEX CONGENITA; Ehlers-Danlos syndrome, arthrochalasia type, 1; EDS VII, MUTANT PROCOLLAGEN TYPE; EDS VIIA; Ehlers-Danlos syndrome, arthrochalasis type. Identifiers: Orphanet 1899, Orphanet 99875, Orphanet 99876, MedGen C4551623, MONDO:0007525, OMIM 130060.
Osteogenesis imperfecta with normal sclerae, dominant form (OI4). Also called: OSTEOGENESIS IMPERFECTA WITH NORMAL SCLERAE; OSTEOGENESIS IMPERFECTA, TYPE IV, WITH DENTINOGENESIS IMPERFECTA; Osteogenesis imperfecta type 4; Osteogenesis Imperfecta Type IV; Common Variable Osteogenesis Imperfecta with Normal Sclerae. Identifiers: Orphanet 216820, Orphanet 666, MedGen C0268363, MONDO:0008148, OMIM 166220.
Infantile cortical hyperostosis. Also called: Hyperostosis, Cortical, Congenital; Caffey Disease; P1PK BLOOD GROUP SYSTEM, P(2) PHENOTYPE. Identifiers: Orphanet 1310, MedGen C0020497, MONDO:0007244, OMIM 114000.
Combined osteogenesis imperfecta and Ehlers-Danlos syndrome 1. Also called: OIEDS SYNDROME 1. Identifiers: MedGen C5436842, MONDO:0030854, OMIM 619115.
Osteoporosis. Identifiers: MedGen C0029456, MONDO:0005298, OMIM 166710, HP:0000939.
Osteogenesis imperfecta type I (OI1). Also called: OI, TYPE I; OSTEOGENESIS IMPERFECTA TARDA; OSTEOGENESIS IMPERFECTA WITH BLUE SCLERAE; Lobstein's Disease; Osteogenesis imperfecta type 1; Lobstein disease. Identifiers: Orphanet 216796, Orphanet 666, MedGen C0023931, MONDO:0008146, OMIM 166200. Disease mechanism: loss of function.
Osteogenesis imperfecta, perinatal lethal (OI2). Also called: OSTEOGENESIS IMPERFECTA, TYPE II; OI, TYPE II; OSTEOGENESIS IMPERFECTA CONGENITA; VROLIK TYPE OF OSTEOGENESIS IMPERFECTA; Osteogenesis imperfecta, dominant perinatal lethal; Osteogenesis imperfecta type 2. Identifiers: Orphanet 216804, MedGen C0268358, MONDO:0008147, OMIM 166210.
Osteogenesis imperfecta type III (OI3). Also called: Osteogenesis imperfecta type 3; OI type 3; Osteogenesis imperfecta, progressively deforming with normal sclerae; OI type III; Progressively Deforming Osteogenesis Imperfecta. Identifiers: Orphanet 216812, Orphanet 666, MedGen C0268362, MONDO:0009804, OMIM 259420.

Submission:

Juno Genomics, Hangzhou Juno Genomics, Inc
Classification: Uncertain significance for Osteoporosis; Infantile cortical hyperostosis; Combined osteogenesis imperfecta and Ehlers-Danlos syndrome 1; Ehlers-Danlos syndrome, arthrochalasia type; Osteogenesis imperfecta type I; Osteogenesis imperfecta, perinatal lethal; Osteogenesis imperfecta type III; Osteogenesis imperfecta with normal sclerae, dominant form. Review status: criteria provided, single submitter. Criteria: ACMG Guidelines, 2015. Collection method: clinical testing. Allele origin: germline.
Comment: Absent from controls (or at extremely low frequency if recessive) in Genome Aggregation Database.;Missense variant in a gene that has a low rate of benign missense variation.